The following is an entry in ClinVar:

ClinVar aggregate classification (germline): Uncertain significance (1 of 4 stars; one submission).

Allele frequency attached by ClinVar (database versions not stated): gnomAD 0.00001; TOPMed 0.00001.
gnomAD v4.1: 3 of 1,613,500 alleles (0.00019%); highest among the groups gnomAD compares: Non-Finnish European, 0.00025%; no homozygotes.

Submission:

Labcorp Genetics (formerly Invitae), Labcorp
Classification: Uncertain significance. Last evaluated: 2024-01-01. Review status: criteria provided, single submitter. Criteria: Invitae Variant Classification Sherloc (09022015). Collection method: clinical testing. Allele origin: germline.
Comment: This sequence change replaces histidine, which is basic and polar, with glutamine, which is neutral and polar, at codon 860 of the EMC1 protein (p.His860Gln). This variant is not present in population databases (gnomAD no frequency). This variant has not been reported in the literature in individuals affected with EMC1-related conditions. ClinVar contains an entry for this variant (Variation ID: 1508856). Advanced modeling of protein sequence and biophysical properties (such as structural, functional, and spatial information, amino acid conservation, physicochemical variation, residue mobility, and thermodynamic stability) performed at Invitae indicates that this missense variant is not expected to disrupt EMC1 protein function with a negative predictive value of 80%. In summary, the available evidence is currently insufficient to determine the role of this variant in disease. Therefore, it has been classified as a Variant of Uncertain Significance.

NM_015047.3(EMC1):c.2580C>G (p.His860Gln)

Genes: EMC1 (ER membrane protein complex subunit 1; minus strand), EMC1-AS1 (EMC1 antisense RNA 1; plus strand). Cytogenetic location: 1p36.13.
Variant type: single nucleotide variant.
Coding change: c.2580C>G on transcript NM_015047.3 (MANE Select); coding-DNA position 2580, C replaced by G.
Protein change: p.His860Gln; replaces histidine 860 with glutamine.
Molecular consequence: missense variant.
Genome position (GRCh38, 1-based): chr1:19,222,631, G>C on the plus strand (C>G on the coding strand, the complement: EMC1 is on the minus strand). VCF-style: chr1-19222631-G-C. GRCh37 (hg19) VCF-style: chr1-19549125-G-C.
Other names: c.2577C>G, p.His859Gln (NM_001271427.2, NM_001271428.2); c.2514C>G, p.His838Gln (NM_001271429.2); c.2589C>G, p.His863Gln (NM_001375820.1); c.2586C>G, p.His862Gln (NM_001375821.1); short protein forms H838Q, H860Q, H862Q, H859Q, H863Q.
Identifiers: ClinVar variation 1508856 (VCV001508856.6), dbSNP rs1486922811, ClinGen allele CA338753567.